The following is an entry in ClinVar:

NM_000138.5(FBN1):c.1941G>C (p.Leu647=)

Gene: FBN1 (fibrillin 1; minus strand). Cytogenetic location: 15q21.1.
Variant type: single nucleotide variant.
Coding change: c.1941G>C on transcript NM_000138.5 (MANE Select); coding-DNA position 1941, G replaced by C.
Protein change: p.Leu647=; no amino-acid change (leucine 647 retained).
Molecular consequence: synonymous variant.
Genome position (GRCh38, 1-based): chr15:48,505,044, C>G on the plus strand (G>C on the coding strand, the complement: FBN1 is on the minus strand). VCF-style: chr15-48505044-C-G. GRCh37 (hg19) VCF-style: chr15-48797241-C-G.
Other names: c.1941G>C, p.Leu647= (NM_001406716.1).
Identifiers: ClinVar variation 3071211 (VCV003071211.2), dbSNP rs751430987, ClinGen allele CA046328.
Genomic context (GRCh38, chr15:48,505,044, plus strand): 5'-GCTGAACCTCTCTCATAAGGTTAGCCATGATGTTTTCTTACCAACACACACACGGCCATC[C>G]AGACCCACAGCCAGTCCAGGGAAGCATTCACATCTGTAGGAGCCATCAGTGTTGACGCAA-3'
Protein context (NP_000129.3, residues 637-657): CECFPGLAVG[Leu647=]DGRVCVDTHM

ClinVar aggregate classification (germline): Benign/Likely benign. Review status: criteria provided, multiple submitters, no conflicts (2 of 4 stars). 2 submissions from 2 submitters: Benign (1); Likely benign (1). Last evaluated 2025-06-27.

Conditions:
Marfan syndrome (MFS). Also called: MARFAN SYNDROME, TYPE I; Marfan syndrome type 1; Marfan's syndrome; Marfan syndrome, classic; FBN1-Related Marfan Syndrome. Identifiers: Orphanet 284963, Orphanet 558, MedGen C0024796, MONDO:0007947, OMIM 154700.
Familial thoracic aortic aneurysm and aortic dissection (TAAD). Also called: Thoracic aortic aneurysms and dissections. Identifiers: Orphanet 91387, MedGen C4707243, MONDO:0019625.

Allele frequency attached by ClinVar (database versions not stated): gnomAD exomes below 0.00001; ExAC 0.00001.
gnomAD v4.1: 1 of 1,614,188 alleles (0.000062%); highest among the groups gnomAD compares: African/African-American, 0.0013%; no homozygotes.

Submissions (2):

Labcorp Genetics (formerly Invitae), Labcorp
Classification: Benign for Marfan syndrome; Familial thoracic aortic aneurysm and aortic dissection. Last evaluated: 2025-06-27. Review status: criteria provided, single submitter. Criteria: Invitae Variant Classification Sherloc (09022015). Collection method: clinical testing. Allele origin: germline.

All of Us Research Program, National Institutes of Health
Classification: Likely benign for Marfan syndrome. Last evaluated: 2023-05-16. Review status: criteria provided, single submitter. Criteria: ACMG Guidelines, 2015. Collection method: clinical testing. Allele origin: germline. Inheritance: Autosomal dominant inheritance. Observed: 1 variant allele, 1 heterozygote.
Comment: This study involves interpretation of variants in research participants for the purpose of population health screening. Participant phenotype was not available at the time of variant classification. Additional details can be found in publication PMID: 35346344, PMCID: PMC8962531